The following is an entry in ClinVar:

ClinVar aggregate classification (germline): Uncertain significance. Review status: criteria provided, multiple submitters, no conflicts (2 of 4 stars). 2 submissions from 2 submitters: Uncertain significance (2). Last evaluated 2024-07-22.

Conditions:
Dilated cardiomyopathy 1G (CMD1G). Identifiers: Orphanet 154, MedGen C1858763, MONDO:0011400, OMIM 604145.
Autosomal recessive limb-girdle muscular dystrophy type 2J (LGMDR10). Also called: Limb-girdle muscular dystrophy, type 2J; MUSCULAR DYSTROPHY, LIMB-GIRDLE, AUTOSOMAL RECESSIVE 10. Identifiers: Orphanet 140922, MedGen C1837342, MONDO:0012127, OMIM 608807.

gnomAD v4.1: 7 of 1,613,970 alleles (0.00043%); highest among the groups gnomAD compares: South Asian, 0.0077%; no homozygotes.

Submissions (2):

Labcorp Genetics (formerly Invitae), Labcorp
Classification: Uncertain significance for Dilated cardiomyopathy 1G; Autosomal recessive limb-girdle muscular dystrophy type 2J. Last evaluated: 2024-07-22. Review status: criteria provided, single submitter. Criteria: Invitae Variant Classification Sherloc (09022015). Collection method: clinical testing. Allele origin: germline.
Comment: This sequence change replaces asparagine, which is neutral and polar, with histidine, which is basic and polar, at codon 34274 of the TTN protein (p.Asn34274His). This variant is present in population databases (rs748399505, gnomAD 0.02%). This variant has not been reported in the literature in individuals affected with TTN-related conditions. Experimental studies and prediction algorithms are not available or were not evaluated, and the functional significance of this variant is currently unknown. This variant is located in the M band of TTN (PMID: 25589632). Non-truncating variants in this region may be relevant for neuromuscular disorders, but have not been definitively shown to cause cardiomyopathy (PMID: 23975875). In summary, the available evidence is currently insufficient to determine the role of this variant in disease. Therefore, it has been classified as a Variant of Uncertain Significance.

GeneDx
Classification: Uncertain significance. Last evaluated: 2023-06-20. Review status: criteria provided, single submitter. Criteria: GeneDx Variant Classification Process June 2021. Collection method: clinical testing. Allele origin: germline. Affected: yes.
Comment: Not observed at significant frequency in large population cohorts (gnomAD); Missense variant in a gene in which most reported pathogenic variants are truncating/loss of function; Has not been previously published as pathogenic or benign to our knowledge

Literature cited by the submitters: PubMed 25589632 (cited by Labcorp Genetics (formerly Invitae), Labcorp); PubMed 23975875 (cited by Labcorp Genetics (formerly Invitae), Labcorp).

NM_001267550.2(TTN):c.102820A>C (p.Asn34274His)

Genes: TTN-AS1 (TTN antisense RNA 1; plus strand), TTN (titin; minus strand). Cytogenetic location: 2q31.2.
Variant type: single nucleotide variant.
Coding change: c.102820A>C on transcript NM_001267550.2 (MANE Select); coding-DNA position 102820, A replaced by C.
Protein change: p.Asn34274His; replaces asparagine 34274 with histidine.
Molecular consequence: missense variant.
Genome position (GRCh38, 1-based): chr2:178,533,795, T>G on the plus strand (A>C on the coding strand, the complement: TTN is on the minus strand). VCF-style: chr2-178533795-T-G. GRCh37 (hg19) VCF-style: chr2-179398522-T-G.
Other names: c.97897A>C, p.Asn32633His (NM_001256850.1); c.75625A>C, p.Asn25209His (NM_003319.4); c.95116A>C, p.Asn31706His (NM_133378.4); c.76000A>C, p.Asn25334His (NM_133432.3); c.76201A>C, p.Asn25401His (NM_133437.4); short protein forms N25209H, N25334H, N25401H, N31706H, N32633H, N34274H.
Identifiers: ClinVar variation 3359920 (VCV003359920.3).
Genomic context (GRCh38, chr2:178,533,795, plus strand): 5'-ATTTATACCATGTTACATGAGGCTCTGGGTGGACAGTTATAGTTACTCCAAACCGGACAT[T>G]TTCACCTACATAAGCTGTCTTATTATAGAGAGGCAGGGTAAATTCTGGTGGCCTTTCCAG-3'
Protein context (NP_001254479.2, residues 34264-34284): LYNKTAYVGE[Asn34274His]VRFGVTITVH